The following is an entry in ClinVar:

ClinVar aggregate classification (germline): Conflicting classifications of pathogenicity. Review status: criteria provided, conflicting classifications (1 of 4 stars). 6 submissions from 6 submitters: Pathogenic (2); Uncertain significance (4). Last evaluated 2025-12-01.

Conditions:
REEP6-related disorder. Also called: REEP6-related condition.
Retinitis pigmentosa 77 (RP77). Identifiers: MedGen C4310626, MONDO:0015013, OMIM 617304.

Allele frequency attached by ClinVar (database versions not stated): gnomAD exomes 0.00001 and 0.00005; ExAC 0.00007; gnomAD 0.00007 and 0.00009; ESP Exome Variant Server 0.00015; TOPMed 0.00015.

Submissions (6):

Labcorp Genetics (formerly Invitae), Labcorp
Classification: Pathogenic. Last evaluated: 2025-12-01. Review status: criteria provided, single submitter. Criteria: Invitae Variant Classification Sherloc (09022015). Collection method: clinical testing. Allele origin: germline.
Comment: This sequence change replaces glutamic acid, which is acidic and polar, with lysine, which is basic and polar, at codon 75 of the REEP6 protein (p.Glu75Lys). This variant is present in population databases (rs144942685, gnomAD 0.04%). This missense change has been observed in individual(s) with retinitis pigmentosa (PMID: 28369466, 36284460, 36819107; internal data). In at least one individual the data is consistent with being in trans (on the opposite chromosome) from a pathogenic variant. ClinVar contains an entry for this variant (Variation ID: 860344). Experimental studies and prediction algorithms are not available or were not evaluated, and the functional significance of this variant is currently unknown. For these reasons, this variant has been classified as Pathogenic.

CeGaT Center for Human Genetics Tuebingen
Classification: Uncertain significance. Last evaluated: 2025-11-01. Review status: criteria provided, single submitter. Criteria: CeGaT Center For Human Genetics Tuebingen Variant Classification Criteria Version 2. Collection method: clinical testing. Allele origin: germline. Affected: yes. Observed: 1 variant allele.
Comment: REEP6: PM2, PM3

GeneDx
Classification: Uncertain significance. Last evaluated: 2024-05-26. Review status: criteria provided, single submitter. Criteria: GeneDx Variant Classification Process June 2021. Collection method: clinical testing. Allele origin: germline. Affected: yes.
Comment: In silico analysis supports that this missense variant has a deleterious effect on protein structure/function; This variant is associated with the following publications: (PMID: 28369466, 36284460, 36819107, 34906470)

Blueprint Genetics
Classification: Pathogenic for REEP6-related disorders. Last evaluated: 2023-07-05. Review status: criteria provided, single submitter. Criteria: ACMG Guidelines, 2015. Collection method: clinical testing. Allele origin: germline. Affected: yes. Observed: 5 variant alleles.

Ocular Genomics Institute, Massachusetts Eye and Ear
Classification: Uncertain significance for Retinitis pigmentosa 77. Last evaluated: 2021-04-08. Review status: criteria provided, single submitter. Criteria: ACMG Guidelines, 2015. Collection method: research. Allele origin: germline. Affected: yes.
Comment: Through a review of available evidence we were able to apply the following criteria: PM2. Based on this evidence we have classified this variant as Variant of Uncertain Significance.

Juno Genomics, Hangzhou Juno Genomics, Inc
Classification: Uncertain significance for Retinitis pigmentosa 77. Review status: criteria provided, single submitter. Criteria: ACMG Guidelines, 2015. Collection method: clinical testing. Allele origin: germline.
Comment: Absent from controls (or at extremely low frequency if recessive) in Genome Aggregation Database.;For recessive disorders, detected in trans with a pathogenic variant.;Patient's phenotype or family history is highly specific for a disease with a single genetic etiology.;Multiple lines of computational evidence support a deleterious effect on the gene or gene product.

Literature cited by the submitters: PubMed 28369466 (cited by Labcorp Genetics (formerly Invitae), Labcorp); PubMed 36284460 (cited by Labcorp Genetics (formerly Invitae), Labcorp); PubMed 36819107 (cited by Labcorp Genetics (formerly Invitae), Labcorp).

NM_138393.4(REEP6):c.223G>A (p.Glu75Lys)

Gene: REEP6 (receptor accessory protein 6; plus strand). Cytogenetic location: 19p13.3.
Variant type: single nucleotide variant.
Coding change: c.223G>A on transcript NM_138393.4 (MANE Select); coding-DNA position 223, G replaced by A.
Protein change: p.Glu75Lys; replaces glutamic acid 75 with lysine.
Molecular consequence: missense variant.
Genome position (GRCh38, 1-based): chr19:1,495,482, G>A. VCF-style: chr19-1495482-G-A. GRCh37 (hg19) VCF-style: chr19-1495481-G-A.
Other names: c.223G>A, p.Glu75Lys (NM_001329556.3); c.223G>A (NM_001329556.2); short protein forms E75K.
Identifiers: ClinVar variation 860344 (VCV000860344.18), dbSNP rs144942685, ClinGen allele CA9047458.